The following is an entry in ClinVar:

NM_001322934.2(NFKB2):c.2205C>A (p.Asp735Glu)

Gene: NFKB2 (nuclear factor kappa B subunit 2; plus strand). Cytogenetic location: 10q24.32.
Variant type: single nucleotide variant.
Coding change: c.2205C>A on transcript NM_001322934.2 (MANE Select); coding-DNA position 2205, C replaced by A.
Protein change: p.Asp735Glu; replaces aspartic acid 735 with glutamic acid.
Molecular consequence: missense variant.
Genome position (GRCh38, 1-based): chr10:102,401,313, C>A. VCF-style: chr10-102401313-C-A. GRCh37 (hg19) VCF-style: chr10-104161070-C-A.
Other names: c.2205C>A, p.Asp735Glu (NM_001077494.3, NM_001261403.3, NM_001288724.1 and 1 more transcripts); c.2079C>A, p.Asp693Glu (NM_001322935.1); short protein forms D735E, D693E.
Identifiers: ClinVar variation 4526210 (VCV004526210.1).

ClinVar aggregate classification (germline): Uncertain significance (1 of 4 stars; one submission).

Submission:

Women's Health and Genetics/Laboratory Corporation of America, LabCorp
Classification: Uncertain significance. Last evaluated: 2025-07-24. Review status: criteria provided, single submitter. Criteria: LabCorp Variant Classification Summary - May 2015. Collection method: clinical testing. Allele origin: germline.
Comment: Variant summary: NFKB2 c.2205C>A (p.Asp735Glu) results in a conservative amino acid change in the encoded protein sequence. Algorithms developed to predict the effect of missense changes on protein structure and function are either unavailable or do not agree on the potential impact of this missense change. The variant was absent in 243526 control chromosomes (gnomAD). The available data on variant occurrences in the general population are insufficient to allow any conclusion about variant significance. To our knowledge, no occurrence of c.2205C>A in individuals affected with Common Variable Immunodeficiency and no experimental evidence demonstrating its impact on protein function have been reported. No submitters have cited clinical-significance assessments for this variant to ClinVar. Based on the evidence outlined above, the variant was classified as uncertain significance.